The following is an entry in ClinVar:

ClinVar aggregate classification (germline): Uncertain significance (1 of 4 stars; one submission).

Conditions:
Severe combined immunodeficiency, autosomal recessive, T cell-negative, B cell-negative, NK cell-positive. Also called: SCID, T CELL-NEGATIVE, B CELL-NEGATIVE, NK CELL-POSITIVE; Severe combined immunodeficiency due to complete RAG1/2 deficiency; SCID, AR, T-cell negative, B-cell negative, NK cell-positive. Identifiers: Orphanet 331206, MedGen C1832322, MONDO:0011086, OMIM 601457.
Combined immunodeficiency with skin granulomas. Identifiers: Orphanet 157949, MedGen C2673536, MONDO:0009306, OMIM 233650.

Allele frequency attached by ClinVar (database versions not stated): ExAC 0.00002; gnomAD 0.00002; TOPMed 0.00002; gnomAD exomes 0.00004.
gnomAD v4.1: 36 of 1,614,086 alleles (0.0022%); highest among the groups gnomAD compares: South Asian, 0.0055%; no homozygotes.

Submission:

Labcorp Genetics (formerly Invitae), Labcorp
Classification: Uncertain significance for Combined immunodeficiency with skin granulomas; Severe combined immunodeficiency, autosomal recessive, T cell-negative, B cell-negative, NK cell-positive. Last evaluated: 2022-02-10. Review status: criteria provided, single submitter. Criteria: Invitae Variant Classification Sherloc (09022015). Collection method: clinical testing. Allele origin: germline.
Comment: This sequence change replaces arginine, which is basic and polar, with glutamine, which is neutral and polar, at codon 219 of the RAG1 protein (p.Arg219Gln). This variant is present in population databases (rs764179803, gnomAD 0.02%). This variant has not been reported in the literature in individuals affected with RAG1-related conditions. ClinVar contains an entry for this variant (Variation ID: 841251). Advanced modeling of protein sequence and biophysical properties (such as structural, functional, and spatial information, amino acid conservation, physicochemical variation, residue mobility, and thermodynamic stability) performed at Invitae indicates that this missense variant is not expected to disrupt RAG1 protein function. Algorithms developed to predict the effect of sequence changes on RNA splicing suggest that this variant may create or strengthen a splice site. In summary, the available evidence is currently insufficient to determine the role of this variant in disease. Therefore, it has been classified as a Variant of Uncertain Significance.

NM_000448.3(RAG1):c.656G>A (p.Arg219Gln)

Gene: RAG1 (recombination activating 1; plus strand). Cytogenetic location: 11p12.
Variant type: single nucleotide variant.
Coding change: c.656G>A on transcript NM_000448.3 (MANE Select); coding-DNA position 656, G replaced by A.
Protein change: p.Arg219Gln; replaces arginine 219 with glutamine.
Molecular consequence: missense variant.
Genome position (GRCh38, 1-based): chr11:36,573,960, G>A. VCF-style: chr11-36573960-G-A. GRCh37 (hg19) VCF-style: chr11-36595510-G-A.
Other names: c.656G>A, p.Arg219Gln (NM_001377277.1, NM_001377278.1, NM_001377279.1 and 1 more transcripts); short protein forms R219Q.
Identifiers: ClinVar variation 841251 (VCV000841251.7), dbSNP rs764179803, ClinGen allele CA5950027.